The following is an entry in ClinVar:

ClinVar aggregate classification (germline): Likely benign (1 of 4 stars; one submission).

Submission:

CeGaT Center for Human Genetics Tuebingen
Classification: Likely benign. Last evaluated: 2023-01-01. Review status: criteria provided, single submitter. Criteria: CeGaT Center For Human Genetics Tuebingen Variant Classification Criteria Version 2. Collection method: clinical testing. Allele origin: germline. Affected: yes. Observed: 1 variant allele.
Comment: NHS: PM2:Supporting, BP4, BP7

NM_001291867.2(NHS):c.1068C>T (p.Ala356=)

Gene: NHS (NHS actin remodeling regulator; plus strand). Cytogenetic location: Xp22.13.
Variant type: single nucleotide variant.
Coding change: c.1068C>T on transcript NM_001291867.2 (MANE Select); coding-DNA position 1068, C replaced by T.
Protein change: p.Ala356=; no amino-acid change (alanine 356 retained).
Molecular consequence: synonymous variant.
Genome position (GRCh38, 1-based): chrX:17,721,593, C>T. VCF-style: chrX-17721593-C-T. GRCh37 (hg19) VCF-style: chrX-17739713-C-T.
Other names: c.537C>T, p.Ala179= (NM_001136024.4); c.474C>T, p.Ala158= (NM_001291868.2); c.1005C>T, p.Ala335= (NM_198270.4).
Identifiers: ClinVar variation 2660081 (VCV002660081.24), dbSNP rs2519927423, ClinGen allele CA515466563.